The following is an entry in ClinVar:

ClinVar aggregate classification (germline): Uncertain significance. Review status: criteria provided, multiple submitters, no conflicts (2 of 4 stars). 2 submissions from 2 submitters: Uncertain significance (2). Last evaluated 2022-08-23.

Conditions:
Sandhoff disease. Also called: GM2-GANGLIOSIDOSIS, TYPE II; HEXOSAMINIDASES A AND B DEFICIENCY; Beta-hexosaminidase-beta-subunit deficiency; GM2 gangliosidosis, type 2; Total hexosaminidase deficiency; Sandhoff-Jatzkewitz-Pilz disease. Identifiers: Orphanet 796, MedGen C0036161, MONDO:0010006, OMIM 268800.

Submissions (2):

Labcorp Genetics (formerly Invitae), Labcorp
Classification: Uncertain significance for Sandhoff disease. Last evaluated: 2022-08-23. Review status: criteria provided, single submitter. Criteria: Invitae Variant Classification Sherloc (09022015). Collection method: clinical testing. Allele origin: germline.
Comment: ClinVar contains an entry for this variant (Variation ID: 354130). This variant has not been reported in the literature in individuals affected with HEXB-related conditions. This variant is not present in population databases (gnomAD no frequency). This sequence change replaces methionine, which is neutral and non-polar, with isoleucine, which is neutral and non-polar, at codon 26 of the HEXB protein (p.Met26Ile). Advanced modeling of protein sequence and biophysical properties (such as structural, functional, and spatial information, amino acid conservation, physicochemical variation, residue mobility, and thermodynamic stability) performed at Invitae indicates that this missense variant is not expected to disrupt HEXB protein function. In summary, the available evidence is currently insufficient to determine the role of this variant in disease. Therefore, it has been classified as a Variant of Uncertain Significance.

Illumina Laboratory Services, Illumina
Classification: Uncertain significance for Sandhoff disease. Last evaluated: 2018-01-13. Review status: criteria provided, single submitter. Criteria: ICSL Variant Classification Criteria 13 December 2019. Collection method: clinical testing. Allele origin: germline.

NM_000521.4(HEXB):c.78G>A (p.Met26Ile)

Gene: HEXB (hexosaminidase subunit beta; plus strand). Cytogenetic location: 5q13.3.
Variant type: single nucleotide variant.
Coding change: c.78G>A on transcript NM_000521.4 (MANE Select); coding-DNA position 78, G replaced by A.
Protein change: p.Met26Ile; replaces methionine 26 with isoleucine.
Molecular consequence: missense variant. On other transcripts: intron variant (1).
Genome position (GRCh38, 1-based): chr5:74,685,338, G>A. VCF-style: chr5-74685338-G-A. GRCh37 (hg19) VCF-style: chr5-73981163-G-A.
Other names: c.-376-3990G>A (NM_001292004.2); short protein forms M26I.
Identifiers: ClinVar variation 354130 (VCV000354130.12), dbSNP rs886060750, ClinGen allele CA10625108.